The following is an entry in ClinVar:

ClinVar aggregate classification (germline): Uncertain significance (1 of 4 stars; one submission).

gnomAD v4.1: 28 of 1,613,500 alleles (0.0017%); highest among the groups gnomAD compares: Non-Finnish European, 0.0024%; no homozygotes.

Submission:

Women's Health and Genetics/Laboratory Corporation of America, LabCorp
Classification: Uncertain significance. Last evaluated: 2025-02-04. Review status: criteria provided, single submitter. Criteria: LabCorp Variant Classification Summary - May 2015. Collection method: clinical testing. Allele origin: germline.
Comment: Variant summary: DST c.1930C>T (p.His644Tyr) results in a conservative amino acid change in the encoded protein sequence. Four of five in-silico tools predict a damaging effect of the variant on protein function. The variant allele was found at a frequency of 8e-06 in 251154 control chromosomes. The available data on variant occurrences in the general population are insufficient to allow any conclusion about variant significance. To our knowledge, no occurrence of c.1930C>T in individuals affected with DST-related conditions and no experimental evidence demonstrating its impact on protein function have been reported. No submitters have cited clinical-significance assessments for this variant to ClinVar. Based on the evidence outlined above, the variant was classified as uncertain significance.

NM_001374736.1(DST):c.3541C>T (p.His1181Tyr)

Gene: DST (dystonin; minus strand). Cytogenetic location: 6p12.1.
Variant type: single nucleotide variant.
Coding change: c.3541C>T on transcript NM_001374736.1 (MANE Select); coding-DNA position 3541, C replaced by T.
Protein change: p.His1181Tyr; replaces histidine 1181 with tyrosine.
Molecular consequence: missense variant.
Genome position (GRCh38, 1-based): chr6:56,634,212, G>A on the plus strand (C>T on the coding strand, the complement: DST is on the minus strand). VCF-style: chr6-56634212-G-A. GRCh37 (hg19) VCF-style: chr6-56499010-G-A.
Other names: c.3442C>T, p.His1148Tyr (NM_001144769.5); c.3028C>T, p.His1010Tyr (NM_001144770.2); c.3541C>T, p.His1181Tyr (NM_001374722.1); c.2908C>T, p.His970Tyr (NM_001374729.1, NM_001374730.1, NM_001386100.1 and 1 more transcripts); c.3568C>T, p.His1190Tyr (NM_001374734.1); c.1930C>T, p.His644Tyr (NM_001723.7, NM_015548.5); short protein forms H1010Y, H1148Y, H1181Y, H1190Y, H644Y, H970Y.
Identifiers: ClinVar variation 3768780 (VCV003768780.1).